The following is an entry in ClinVar:

ClinVar aggregate classification (germline): Uncertain significance (1 of 4 stars; one submission).

Conditions:
Hereditary cancer-predisposing syndrome. Also called: Neoplastic Syndromes, Hereditary; Hereditary Cancer Syndrome; Tumor predisposition; Hereditary neoplastic syndrome. Identifiers: Orphanet 140162, MedGen C0027672, MeSH D009386, MONDO:0015356.

Submission:

Color Diagnostics, LLC DBA Color Health
Classification: Uncertain significance for Hereditary cancer-predisposing syndrome. Last evaluated: 2023-12-05. Review status: criteria provided, single submitter. Criteria: ACMG Guidelines, 2015. Collection method: clinical testing. Allele origin: germline.
Comment: This missense variant replaces glutamic acid with aspartic acid at codon 941 of the APC protein. Computational prediction suggests that this variant may not impact protein structure and function (internally defined REVEL score threshold <= 0.5, PMID: 27666373). To our knowledge, functional studies have not been reported for this variant. This variant has not been reported in individuals affected with APC-related disorders in the literature. This variant has not been identified in the general population by the Genome Aggregation Database (gnomAD). The available evidence is insufficient to determine the role of this variant in disease conclusively. Therefore, this variant is classified as a Variant of Uncertain Significance.

NM_000038.6(APC):c.2823A>T (p.Glu941Asp)

Gene: APC (APC regulator of Wnt signaling pathway; plus strand). Cytogenetic location: 5q22.2.
Variant type: single nucleotide variant.
Coding change: c.2823A>T on transcript NM_000038.6 (MANE Select); coding-DNA position 2823, A replaced by T.
Protein change: p.Glu941Asp; replaces glutamic acid 941 with aspartic acid.
Molecular consequence: missense variant.
Genome position (GRCh38, 1-based): chr5:112,838,417, A>T. VCF-style: chr5-112838417-A-T. GRCh37 (hg19) VCF-style: chr5-112174114-A-T.
Other names: c.2445A>T, p.Glu815Asp (NM_001354904.2); c.2343A>T, p.Glu781Asp (NM_001354905.2); c.1974A>T, p.Glu658Asp (NM_001354906.2); c.2823A>T, p.Glu941Asp (NM_001127510.3, NM_001354895.2); c.2769A>T, p.Glu923Asp (NM_001127511.3); c.2877A>T, p.Glu959Asp (NM_001354896.2); c.2853A>T, p.Glu951Asp (NM_001354897.2); c.2748A>T, p.Glu916Asp (NM_001354898.2); and 5 more; short protein forms E658D, E815D, E882D, E941D, E840D, E913D, E923D, E951D.
Identifiers: ClinVar variation 927878 (VCV000927878.4), dbSNP rs1765274511, ClinGen allele CA16027488.
Genomic context (GRCh38, chr5:112,838,417, plus strand): 5'-ACTTAGAAGAAGCTCTGCTGCCCATACACATTCAAACACTTACAATTTCACTAAGTCGGA[A>T]AATTCAAATAGGACATGTTCTATGCCTTATGCCAAATTAGAATACAAGAGATCTTCAAAT-3'
Protein context (NP_000029.2, residues 931-951): HSNTYNFTKS[Glu941Asp]NSNRTCSMPY